The following is an entry in ClinVar:

NM_024529.5(CDC73):c.1135G>C (p.Asp379His)

Gene: CDC73 (cell division cycle 73; plus strand). Cytogenetic location: 1q31.2.
Variant type: single nucleotide variant.
Coding change: c.1135G>C on transcript NM_024529.5 (MANE Select); coding-DNA position 1135, G replaced by C.
Protein change: p.Asp379His; replaces aspartic acid 379 with histidine.
Molecular consequence: missense variant.
Genome position (GRCh38, 1-based): chr1:193,212,458, G>C. VCF-style: chr1-193212458-G-C. GRCh37 (hg19) VCF-style: chr1-193181588-G-C.
Other names: short protein forms D379H.
Identifiers: ClinVar variation 2450572 (VCV002450572.2), dbSNP rs971586985, ClinGen allele CA344077652.
Genomic context (GRCh38, chr1:193,212,458, plus strand): 5'-ACACCCATTATCATAATTCCTGCAGCTACCACCTCTTTAATAACCATGCTTAATGCAAAA[G>C]ACCTTCTACAGGACCTGAAGTAAGTAATTTATTAAACTATCCTGTACGTAGGATATTGAG-3'
Protein context (NP_078805.3, residues 369-389): TSLITMLNAK[Asp379His]LLQDLKFVPS

ClinVar aggregate classification (germline): Uncertain significance (1 of 4 stars; one submission).

Conditions:
Hereditary cancer-predisposing syndrome. Also called: Neoplastic Syndromes, Hereditary; Tumor predisposition; Hereditary neoplastic syndrome; Hereditary Cancer Syndrome. Identifiers: Orphanet 140162, MedGen C0027672, MeSH D009386, MONDO:0015356.

Submission:

Ambry Genetics
Classification: Uncertain significance for Hereditary cancer-predisposing syndrome. Last evaluated: 2022-12-07. Review status: criteria provided, single submitter. Criteria: Ambry Variant Classification Scheme 2023. Collection method: clinical testing. Allele origin: germline.
Comment: The p.D379H variant (also known as c.1135G>C), located in coding exon 13 of the CDC73 gene, results from a G to C substitution at nucleotide position 1135. The aspartic acid at codon 379 is replaced by histidine, an amino acid with similar properties. This amino acid position is conserved. In addition, this alteration is predicted to be deleterious by in silico analysis. Since supporting evidence is limited at this time, the clinical significance of this alteration remains unclear.